The following is an entry in ClinVar:

ClinVar aggregate classification (germline): Conflicting classifications of pathogenicity. Review status: criteria provided, conflicting classifications (1 of 4 stars). 7 submissions from 7 submitters: Uncertain significance (1); Benign (4); Likely benign (2). Last evaluated 2026-01-11.

Conditions:
Early-infantile DEE. Also called: Early infantile epileptic encephalopathy; Early infantile epileptic encephalopathy with suppression bursts; Ohtahara syndrome. Identifiers: Orphanet 1934, MedGen C0393706, MONDO:0800491.
Developmental and epileptic encephalopathy, 5 (DEE5). Identifiers: Orphanet 3451, MedGen C3150731, MONDO:0013277, OMIM 613477.

Allele frequency attached by ClinVar (database versions not stated): 1000 Genomes Project 0.00020; 1000 Genomes Project 30x 0.00031; ExAC 0.00052; gnomAD exomes 0.00061 and 0.00148; gnomAD 0.00067; TOPMed 0.00077; ESP Exome Variant Server 0.00131.
gnomAD v4.1: 2,234 of 1,613,634 alleles (0.14%); highest among the groups gnomAD compares: Non-Finnish European, 0.17%; 2 homozygotes.

Submissions (7):

Labcorp Genetics (formerly Invitae), Labcorp
Classification: Benign for Early-infantile DEE. Last evaluated: 2026-01-11. Review status: criteria provided, single submitter. Criteria: Invitae Variant Classification Sherloc (09022015). Collection method: clinical testing. Allele origin: germline.

Blueprint Genetics
Classification: Likely benign. Last evaluated: 2024-09-25. Review status: criteria provided, single submitter. Criteria: ACMG Guidelines, 2015. Collection method: clinical testing. Allele origin: germline.

ARUP Laboratories, Molecular Genetics and Genomics, ARUP Laboratories
Classification: Benign for Developmental and epileptic encephalopathy, 5. Last evaluated: 2024-02-12. Review status: criteria provided, single submitter. Criteria: ARUP Molecular Germline Variant Investigation Process 2024. Collection method: clinical testing. Allele origin: germline.

CeGaT Center for Human Genetics Tuebingen
Classification: Likely benign. Last evaluated: 2022-12-01. Review status: criteria provided, single submitter. Criteria: CeGaT Center For Human Genetics Tuebingen Variant Classification Criteria Version 2. Collection method: clinical testing. Allele origin: germline. Affected: yes. Observed: 1 variant allele.
Comment: SPTAN1: BS1

Genome-Nilou Lab
Classification: Benign for Developmental and epileptic encephalopathy, 5. Last evaluated: 2021-07-15. Review status: criteria provided, single submitter. Criteria: ACMG Guidelines, 2015. Collection method: clinical testing. Allele origin: germline. Affected: no.

GeneDx
Classification: Benign. Last evaluated: 2013-05-15. Review status: criteria provided, single submitter. Criteria: GeneDx Variant Classification (06012015). Collection method: clinical testing. Allele origin: germline. Affected: yes.
Comment: This variant is considered likely benign or benign based on one or more of the following criteria: it is a conservative change, it occurs at a poorly conserved position in the protein, it is predicted to be benign by multiple in silico algorithms, and/or has population frequency not consistent with disease.

Genetic Services Laboratory, University of Chicago
Classification: Uncertain significance for Epileptic encephalopathy, early infantile, 5. Last evaluated: 2013-02-08. Review status: criteria provided, single submitter. Criteria: ACMG Guidelines, 2007. Collection method: clinical testing. Allele origin: germline. Inheritance: Autosomal dominant inheritance.

NM_001130438.3(SPTAN1):c.5478+12G>A

Gene: SPTAN1 (spectrin alpha, non-erythrocytic 1; plus strand). Cytogenetic location: 9q34.11.
Variant type: single nucleotide variant.
Coding change: c.5478+12G>A on transcript NM_001130438.3 (MANE Select); 12 bases into the intron after coding-DNA position 5478, G replaced by A.
Molecular consequence: intron variant.
Genome position (GRCh38, 1-based): chr9:128,617,772, G>A. VCF-style: chr9-128617772-G-A. GRCh37 (hg19) VCF-style: chr9-131380051-G-A.
Other names: c.5478+12G>A (NM_001363759.2); c.5463+12G>A (NM_003127.4); c.5418+12G>A (NM_001363765.2); c.5403+12G>A (NM_001195532.2).
Identifiers: ClinVar variation 139300 (VCV000139300.41), dbSNP rs41275900, ClinGen allele CA173580.